The following is an entry in ClinVar:

ClinVar aggregate classification (germline): Conflicting classifications of pathogenicity. Review status: criteria provided, conflicting classifications (1 of 4 stars). 2 submissions from 2 submitters: Uncertain significance (1); Likely benign (1). Last evaluated 2026-01-21.

Conditions:
Primary ciliary dyskinesia. Also called: Ciliary dyskinesia. Identifiers: Orphanet 244, MedGen C0008780, MONDO:0016575, HP:0012265.

gnomAD v4.1: 6 of 1,613,196 alleles (0.00037%); highest among the groups gnomAD compares: Admixed American, 0.0067%; no homozygotes.

Submissions (2):

Ambry Genetics
Classification: Uncertain significance for Primary ciliary dyskinesia. Last evaluated: 2026-01-21. Review status: criteria provided, single submitter. Criteria: Ambry Variant Classification Scheme 2023. Collection method: clinical testing. Allele origin: germline.
Comment: The p.D548G variant (also known as c.1643A>G), located in coding exon 9 of the DNAH11 gene, results from an A to G substitution at nucleotide position 1643. The aspartic acid at codon 548 is replaced by glycine, an amino acid with similar properties. This amino acid position is conserved. In addition, the in silico prediction for this alteration is inconclusive. Based on the available evidence, the clinical significance of this variant remains unclear.

Labcorp Genetics (formerly Invitae), Labcorp
Classification: Likely benign for Primary ciliary dyskinesia. Last evaluated: 2024-06-21. Review status: criteria provided, single submitter. Criteria: Invitae Variant Classification Sherloc (09022015). Collection method: clinical testing. Allele origin: germline.

NM_001277115.2(DNAH11):c.1643A>G (p.Asp548Gly)

Gene: DNAH11 (dynein axonemal heavy chain 11; plus strand). Cytogenetic location: 7p15.3.
Variant type: single nucleotide variant.
Coding change: c.1643A>G on transcript NM_001277115.2 (MANE Select); coding-DNA position 1643, A replaced by G.
Protein change: p.Asp548Gly; replaces aspartic acid 548 with glycine.
Molecular consequence: missense variant.
Genome position (GRCh38, 1-based): chr7:21,581,954, A>G. VCF-style: chr7-21581954-A-G. GRCh37 (hg19) VCF-style: chr7-21621572-A-G.
Other names: c.1643A>G, p.Asp548Gly (NM_003777.3); c.1643A>G (NM_001277115.1); short protein forms D548G.
Identifiers: ClinVar variation 2739891 (VCV002739891.4), dbSNP rs374191991, ClinGen allele CA366937214.
Genomic context (GRCh38, chr7:21,581,954, plus strand): 5'-GAATTTTACAGGAGTTTGAAAGTGATTATGTGGCATTTAAGTCCAAAACTCTGGAATTTG[A>G]CAGAAGGCTTGGGACAATTATTTGTGAAGCTTTCTTTAACTGCAATGGCTTAGAAGCTGC-3'
Protein context (NP_001264044.1, residues 538-558): VAFKSKTLEF[Asp548Gly]RRLGTIICEA